The following is an entry in ClinVar:

NM_001366385.1(CARD14):c.1356G>C (p.Glu452Asp)

Gene: CARD14 (caspase recruitment domain family member 14; plus strand). Cytogenetic location: 17q25.3.
Variant type: single nucleotide variant.
Coding change: c.1356G>C on transcript NM_001366385.1 (MANE Select); coding-DNA position 1356, G replaced by C.
Protein change: p.Glu452Asp; replaces glutamic acid 452 with aspartic acid.
Molecular consequence: missense variant. On other transcripts: non-coding transcript variant (1).
Genome position (GRCh38, 1-based): chr17:80,192,619, G>C. VCF-style: chr17-80192619-G-C. GRCh37 (hg19) VCF-style: chr17-78166418-G-C.
Other names: c.1356G>C, p.Glu452Asp (NM_001257970.1, NM_024110.4); c.645G>C, p.Glu215Asp (NM_052819.3); short protein forms E215D, E452D.
Identifiers: ClinVar variation 4793287 (VCV004793287.1).

ClinVar aggregate classification (germline): Uncertain significance (1 of 4 stars; one submission).

Conditions:
Psoriasis 2. Identifiers: MedGen C1864497, MONDO:0011269, OMIM 602723.
Pityriasis rubra pilaris (PRP). Also called: Pityriasis rubra pilaris--familial type. Identifiers: Orphanet 2897, MedGen C0032027, MONDO:0100017, OMIM 173200, MONDO:0008251.

Submission:

Labcorp Genetics (formerly Invitae), Labcorp
Classification: Uncertain significance for Pityriasis rubra pilaris; Psoriasis 2. Last evaluated: 2025-03-24. Review status: criteria provided, single submitter. Criteria: Invitae Variant Classification Sherloc (09022015). Collection method: clinical testing. Allele origin: germline.
Comment: This sequence change replaces glutamic acid, which is acidic and polar, with aspartic acid, which is acidic and polar, at codon 452 of the CARD14 protein (p.Glu452Asp). This variant also falls at the last nucleotide of exon 9, which is part of the consensus splice site for this exon. This variant is not present in population databases (gnomAD no frequency). This variant has not been reported in the literature in individuals affected with CARD14-related conditions. Invitae Evidence Modeling of protein sequence and biophysical properties (such as structural, functional, and spatial information, amino acid conservation, physicochemical variation, residue mobility, and thermodynamic stability) indicates that this missense variant is not expected to disrupt CARD14 protein function with a negative predictive value of 95%. Variants that disrupt the consensus splice site are a relatively common cause of aberrant splicing (PMID: 17576681, 9536098). Algorithms developed to predict the effect of sequence changes on RNA splicing suggest that this variant may disrupt the consensus splice site. In summary, the available evidence is currently insufficient to determine the role of this variant in disease. Therefore, it has been classified as a Variant of Uncertain Significance.

Literature cited by the submitters: PubMed 17576681; PubMed 9536098.